The following is an entry in ClinVar:

ClinVar aggregate classification (germline): Likely pathogenic (1 of 4 stars; one submission).

Conditions:
Dilated cardiomyopathy 1G (CMD1G). Identifiers: Orphanet 154, MedGen C1858763, MONDO:0011400, OMIM 604145.
Autosomal recessive limb-girdle muscular dystrophy type 2J (LGMDR10). Also called: Limb-girdle muscular dystrophy, type 2J; MUSCULAR DYSTROPHY, LIMB-GIRDLE, AUTOSOMAL RECESSIVE 10. Identifiers: Orphanet 140922, MedGen C1837342, MONDO:0012127, OMIM 608807.

Submission:

Labcorp Genetics (formerly Invitae), Labcorp
Classification: Likely pathogenic for Dilated cardiomyopathy 1G; Autosomal recessive limb-girdle muscular dystrophy type 2J. Last evaluated: 2024-10-18. Review status: criteria provided, single submitter. Criteria: Invitae Variant Classification Sherloc (09022015). Collection method: clinical testing. Allele origin: germline.
Comment: This sequence change affects a donor splice site in intron 96 of the TTN gene. It is expected to disrupt RNA splicing and likely results in a truncated or disrupted TTN protein. This variant is not present in population databases (gnomAD no frequency). Disruption of this splice site has been observed in individual(s) with clinical features of congenital titinopathy (PMID: 29691892). ClinVar contains an entry for this variant (Variation ID: 940890). Algorithms developed to predict the effect of sequence changes on RNA splicing suggest that this variant may disrupt the consensus splice site. This variant is located in the I band of TTN (PMID: 25589632). Truncating variants in this region have been reported in individuals affected with autosomal recessive centronuclear myopathy (PMID: 23975875, internal data). Truncating variants in this region have also been identified in individuals affected with autosomal dominant dilated cardiomyopathy and/or cardio-related conditions (PMID: 27869827, 32964742, internal data). In summary, the currently available evidence indicates that the variant is pathogenic, but additional data are needed to prove that conclusively. Therefore, this variant has been classified as Likely Pathogenic.

Literature cited by the submitters: PubMed 29691892; PubMed 25589632; PubMed 23975875; PubMed 27869827; PubMed 32964742.

NM_001267550.2(TTN):c.27886+1G>T

Gene: TTN (titin; minus strand). Cytogenetic location: 2q31.2.
Variant type: single nucleotide variant.
Coding change: c.27886+1G>T on transcript NM_001267550.2 (MANE Select); the canonical splice donor site of the intron after coding-DNA position 27886, G replaced by T.
Molecular consequence: splice donor variant. On other transcripts: intron variant (3).
Genome position (GRCh38, 1-based): chr2:178,711,943, C>A on the plus strand (G>T on the coding strand, the complement: TTN is on the minus strand). VCF-style: chr2-178711943-C-A. GRCh37 (hg19) VCF-style: chr2-179576670-C-A.
Other names: c.13282+26139G>T (NM_003319.4); c.13858+26139G>T (NM_133437.4); c.13657+26139G>T (NM_133432.3); c.24154+1G>T (NM_133378.4); c.26935+1G>T (NM_001256850.1).
Identifiers: ClinVar variation 940890 (VCV000940890.10), dbSNP rs2076721233, ClinGen allele CA10575435.
Genomic context (GRCh38, chr2:178,711,943, plus strand): 5'-ACATTTTAAATCTTGTTCAAAAGAAACACAAATTCGTTCACTTTAAAAATATTGCAATCA[C>A]CTTGAACGGTAAGGAAAGTTGATGCAGAAACTTCTCCCACGCTGTTTTCAGCTTTGCAGA-3'